The following is an entry in ClinVar:

NM_004393.6(DAG1):c.2293C>A (p.Leu765Ile)

Gene: DAG1 (dystroglycan 1; plus strand). Cytogenetic location: 3p21.31.
Variant type: single nucleotide variant.
Coding change: c.2293C>A on transcript NM_004393.6 (MANE Select); coding-DNA position 2293, C replaced by A.
Protein change: p.Leu765Ile; replaces leucine 765 with isoleucine.
Molecular consequence: missense variant.
Genome position (GRCh38, 1-based): chr3:49,532,804, C>A. VCF-style: chr3-49532804-C-A. GRCh37 (hg19) VCF-style: chr3-49570237-C-A.
Other names: c.2293C>A, p.Leu765Ile (NM_001165928.4, NM_001177634.3, NM_001177635.3 and 9 more transcripts); c.2293C>A (NM_004393.4); short protein forms L765I.
Identifiers: ClinVar variation 1042859 (VCV001042859.3), dbSNP rs905804433, ClinGen allele CA74522659.

ClinVar aggregate classification (germline): Uncertain significance. Review status: criteria provided, multiple submitters, no conflicts (2 of 4 stars). 2 submissions from 2 submitters: Uncertain significance (2). Last evaluated 2024-09-02.

Conditions:
Inborn genetic diseases. Identifiers: MedGen C0950123, MeSH D030342.
Muscular dystrophy-dystroglycanopathy (congenital with brain and eye anomalies), type A9. Also called: WALKER-WARBURG SYNDROME OR MUSCLE-EYE BRAIN DISEASE, DAG1-RELATED; Muscular dystrophy-dystroglycanopathy (congenital with brain and eye anomalies), type a, 9. Identifiers: Orphanet 370997, Orphanet 899, MedGen C4225291, MONDO:0014683, OMIM 616538.
Autosomal recessive limb-girdle muscular dystrophy type 2P. Also called: MUSCULAR DYSTROPHY-DYSTROGLYCANOPATHY, LIMB-GIRDLE, DAG1-RELATED; Limb-Girdle Muscular Dystrophy Type 9C; MUSCULAR DYSTROPHY, LIMB-GIRDLE, TYPE 2P. Identifiers: Orphanet 280333, MedGen C4511963, MONDO:0013440, OMIM 613818.

Allele frequency attached by ClinVar (database versions not stated): gnomAD exomes below 0.00001; TOPMed below 0.00001.
gnomAD v4.1: 4 of 1,614,068 alleles (0.00025%); highest among the groups gnomAD compares: Non-Finnish European, 0.00034%; no homozygotes.

Submissions (2):

Ambry Genetics
Classification: Uncertain significance for Inborn genetic diseases. Last evaluated: 2024-09-02. Review status: criteria provided, single submitter. Criteria: Ambry Variant Classification Scheme 2023. Collection method: clinical testing. Allele origin: germline.

Labcorp Genetics (formerly Invitae), Labcorp
Classification: Uncertain significance for Autosomal recessive limb-girdle muscular dystrophy type 2P; Muscular dystrophy-dystroglycanopathy (congenital with brain and eye anomalies), type A9. Last evaluated: 2021-12-24. Review status: criteria provided, single submitter. Criteria: Invitae Variant Classification Sherloc (09022015). Collection method: clinical testing. Allele origin: germline.
Comment: This sequence change replaces leucine, which is neutral and non-polar, with isoleucine, which is neutral and non-polar, at codon 765 of the DAG1 protein (p.Leu765Ile). This variant is not present in population databases (gnomAD no frequency). This variant has not been reported in the literature in individuals affected with DAG1-related conditions. ClinVar contains an entry for this variant (Variation ID: 1042859). Algorithms developed to predict the effect of missense changes on protein structure and function are either unavailable or do not agree on the potential impact of this missense change (SIFT: "Deleterious"; PolyPhen-2: "Probably Damaging"; Align-GVGD: "Class C0"). In summary, the available evidence is currently insufficient to determine the role of this variant in disease. Therefore, it has been classified as a Variant of Uncertain Significance.